The following is an entry in ClinVar:

ClinVar aggregate classification (germline): Uncertain significance. Review status: criteria provided, multiple submitters, no conflicts (2 of 4 stars). 6 submissions from 6 submitters: Uncertain significance (6). Last evaluated 2026-05-26.

Conditions:
PLEC-related disorder. Also called: PLEC-related disorders; PLEC-related condition.
Autosomal recessive limb-girdle muscular dystrophy type 2Q (LGMDR17). Also called: MUSCULAR DYSTROPHY, LIMB-GIRDLE, AUTOSOMAL RECESSIVE 17. Identifiers: Orphanet 254361, MedGen C3150989, MONDO:0013390, OMIM 613723.
Epidermolysis bullosa simplex with nail dystrophy (EBS5D). Identifiers: MedGen C4225309, MONDO:0014661, OMIM 616487.
Epidermolysis bullosa simplex 5C, with pyloric atresia (EBS5C). Also called: PLEC-Related Epidermolysis Bullosa with Pyloric Atresia; Epidermolysis bullosa simplex with pyloric atresia; PLEC1-Related Epidermolysis Bullosa with Pyloric Atresia. Identifiers: Orphanet 158684, MedGen C2677349, MONDO:0012807, OMIM 612138.
Epidermolysis bullosa simplex, Ogna type (EBS5A). Also called: Pidermolysis bullosa simplex 5A, Ogna type; EPIDERMOLYSIS BULLOSA SIMPLEX 5A, OGNA TYPE. Identifiers: Orphanet 79401, MedGen C0432317, MONDO:0007555, OMIM 131950.
Epidermolysis bullosa simplex 5B, with muscular dystrophy (EBS5B). Also called: EPIDERMOLYSIS BULLOSA SIMPLEX AND LIMB-GIRDLE MUSCULAR DYSTROPHY; Epidermolysis bullosa simplex with muscular dystrophy. Identifiers: Orphanet 257, MedGen C2931072, MONDO:0009181, OMIM 226670.
Inborn genetic diseases. Identifiers: MedGen C0950123, MeSH D030342.

Allele frequency attached by ClinVar (database versions not stated): gnomAD exomes 0.00002 and 0.00003; TOPMed 0.00003; ExAC 0.00004; gnomAD 0.00004 and 0.00005; 1000 Genomes Project 0.00020; 1000 Genomes Project 30x 0.00031.
gnomAD v4.1: 45 of 1,610,206 alleles (0.0028%); highest among the groups gnomAD compares: East Asian, 0.0045%; no homozygotes.

Submissions (6):

PreventionGenetics, part of Exact Sciences
Classification: Uncertain significance for PLEC-related condition. Last evaluated: 2026-05-26. Review status: criteria provided, single submitter. Criteria: ACMG Guidelines, 2015. Collection method: clinical testing. Allele origin: germline.
Comment: The PLEC c.7049C>T variant is predicted to result in the amino acid substitution p.Thr2350Met. To our knowledge, this variant has not been reported in the literature. This variant is reported in 0.017% of alleles in individuals of East Asian descent in gnomAD. At this time, the clinical significance of this variant is uncertain due to the absence of conclusive functional and genetic evidence.

Labcorp Genetics (formerly Invitae), Labcorp
Classification: Uncertain significance for Autosomal recessive limb-girdle muscular dystrophy type 2Q; Epidermolysis bullosa simplex, Ogna type; Epidermolysis bullosa simplex with nail dystrophy; Epidermolysis bullosa simplex 5C, with pyloric atresia; Epidermolysis bullosa simplex 5B, with muscular dystrophy. Last evaluated: 2025-12-15. Review status: criteria provided, single submitter. Criteria: Invitae Variant Classification Sherloc (09022015). Collection method: clinical testing. Allele origin: germline.
Comment: This sequence change replaces threonine, which is neutral and polar, with methionine, which is neutral and non-polar, at codon 2350 of the PLEC protein (p.Thr2350Met). This variant is present in population databases (rs550065687, gnomAD 0.02%). This variant has not been reported in the literature in individuals affected with PLEC-related conditions. ClinVar contains an entry for this variant (Variation ID: 451571). An algorithm developed to predict the effect of missense changes on protein structure and function (PolyPhen-2) suggests that this variant is likely to be disruptive. In summary, the available evidence is currently insufficient to determine the role of this variant in disease. Therefore, it has been classified as a Variant of Uncertain Significance.

Ambry Genetics
Classification: Uncertain significance for Inborn genetic diseases. Last evaluated: 2025-03-06. Review status: criteria provided, single submitter. Criteria: Ambry Variant Classification Scheme 2023. Collection method: clinical testing. Allele origin: germline.

Revvity Omics, Revvity
Classification: Uncertain significance. Last evaluated: 2022-01-25. Review status: criteria provided, single submitter. Criteria: ACMG Guidelines, 2015. Collection method: clinical testing. Allele origin: germline.

GeneDx
Classification: Uncertain significance. Last evaluated: 2017-08-23. Review status: criteria provided, single submitter. Criteria: GeneDx Variant Classification (06012015). Collection method: clinical testing. Allele origin: germline. Affected: yes.
Comment: The T2350M variant has not been published as a pathogenic variant, nor has it been reported as a benign variant to our knowledge. The T2350M variant is not observed at a significant frequency in large population cohorts (Lek et al., 2016; 1000 Genomes Consortium et al., 2015; Exome Variant Server). Most reported pathogenic variants in the PLEC gene are truncating/loss-of-function. This substitution occurs at a position where amino acids with similar properties to Threonine are tolerated across species. However, this variant is a non-conservative amino acid substitution, which is likely to impact secondary protein structure as these residues differ in polarity, charge, size and/or other properties. In silico analysis is inconsistent in its predictions as to whether or not the variant is damaging to the protein structure/function.

Eurofins Ntd Llc (ga)
Classification: Uncertain significance. Last evaluated: 2017-03-28. Review status: criteria provided, single submitter. Criteria: EGL Classification Definitions 2015. Collection method: clinical testing. Allele origin: germline. Observed: 1 variant allele, 1 heterozygote.

NM_201384.3(PLEC):c.6968C>T (p.Thr2323Met)

Gene: PLEC (plectin; minus strand). Cytogenetic location: 8q24.3.
Variant type: single nucleotide variant.
Coding change: c.6968C>T on transcript NM_201384.3 (MANE Select); coding-DNA position 6968, C replaced by T.
Protein change: p.Thr2323Met; replaces threonine 2323 with methionine.
Molecular consequence: missense variant.
Genome position (GRCh38, 1-based): chr8:143,922,961, G>A on the plus strand (C>T on the coding strand, the complement: PLEC is on the minus strand). VCF-style: chr8-143922961-G-A. GRCh37 (hg19) VCF-style: chr8-144997129-G-A.
Other names: c.7049C>T, p.Thr2350Met (NM_000445.5); c.6926C>T, p.Thr2309Met (NM_201378.4); c.6902C>T, p.Thr2301Met (NM_201379.3); c.7379C>T, p.Thr2460Met (NM_201380.4); c.6872C>T, p.Thr2291Met (NM_201381.3); c.6968C>T, p.Thr2323Met (NM_201382.4); c.6980C>T, p.Thr2327Met (NM_201383.3); short protein forms T2291M, T2301M, T2309M, T2323M, T2327M, T2350M, T2460M.
Identifiers: ClinVar variation 451571 (VCV000451571.17), dbSNP rs550065687, ClinGen allele CA4925796.
Genomic context (GRCh38, chr8:143,922,961, plus strand): 5'-GCCTGCTCCTGCGCAAGCTCCTTCTGCTGCTGCAGCAGTTCCGCCTCAGCCTTGAGTCGC[G>A]TGGCCTCCTGCACCGCCTGCATCTTCTCCTTGAGCATCTTCTCTGCCAAGGCCCGCTGCT-3'
Protein context (NP_958786.1, residues 2313-2333): KEKMQAVQEA[Thr2323Met]RLKAEAELLQ